The following is an entry in ClinVar:

ClinVar aggregate classification (germline): Pathogenic (1 of 4 stars; one submission).

Conditions:
Citrin deficiency. Identifiers: Orphanet 247582, MedGen C1997910, MONDO:0016602.

Submission:

Labcorp Genetics (formerly Invitae), Labcorp
Classification: Pathogenic for Citrin deficiency. Last evaluated: 2021-09-06. Review status: criteria provided, single submitter. Criteria: Invitae Variant Classification Sherloc (09022015). Collection method: clinical testing. Allele origin: germline.
Comment: For these reasons, this variant has been classified as Pathogenic. This variant disrupts a region of the SLC25A13 protein in which other variant(s) (p.Glu601*) have been determined to be pathogenic (PMID: 11793471, 23430852, 29651749, 29659898). This suggests that this is a clinically significant region of the protein, and that variants that disrupt it are likely to be disease-causing. This variant has not been reported in the literature in individuals affected with SLC25A13-related conditions. This variant is a gross deletion of the genomic region encompassing exon(s) 16-18 of the SLC25A13 gene, which includes the termination codon. This deletion extends beyond the assayed region for this gene and therefore may encompass additional genes. While this deletion is not anticipated to lead to nonsense mediated decay, it is expected to alter mRNA translation or result in a truncated protein product.

Literature cited by the submitters: PubMed 11793471; PubMed 23430852; PubMed 29651749; PubMed 29659898.

NC_000007.13:g.(?_95749522)_(95751319_?)del

Gene: SLC25A13 (solute carrier family 25 member 13; minus strand). Cytogenetic location: 7q21.3.
Variant type: Deletion.
Identifiers: ClinVar variation 1459776 (VCV001459776.4).